The following is an entry in ClinVar:

ClinVar aggregate classification (germline): Uncertain significance. Review status: criteria provided, multiple submitters, no conflicts (2 of 4 stars). 4 submissions from 4 submitters: Uncertain significance (3). 1 of the submissions does not count toward it. Last evaluated 2026-04-16.

Conditions:
Inborn genetic diseases. Identifiers: MedGen C0950123, MeSH D030342.
Kostmann syndrome (SCN3). Also called: KOSTMANN DISEASE; Autosomal recessive severe congenital neutropenia type 3. Identifiers: Orphanet 99749, MedGen C5235141, MONDO:0012548, OMIM 610738.

Allele frequency attached by ClinVar (database versions not stated): TOPMed 0.00002; gnomAD 0.00005; gnomAD exomes 0.00006 and 0.00010; ExAC 0.00007.

Submissions (4):

Women's Health and Genetics/Laboratory Corporation of America, LabCorp
Classification: Uncertain significance. Last evaluated: 2026-04-16. Review status: criteria provided, single submitter. Criteria: LabCorp Variant Classification Summary - May 2015. Collection method: clinical testing. Allele origin: germline.
Comment: Variant summary: HAX1 c.676C>T (p.Arg226Cys) results in a non-conservative amino acid change in the encoded protein sequence. Algorithms developed to predict the effect of missense changes on protein structure and function all suggest that this variant is likely to be disruptive. The variant allele was found at a frequency of 9.5e-05 in 251476 control chromosomes. This frequency is not significantly higher than estimated for disease-causing variants in HAX1, allowing no conclusion about variant significance. c.676C>T has been observed with a variant in the SAMD9 gene in an individual affected with Pancytopenia with hypocellular bone marrow without clear evidence for causality of disease (Pallavelangini_2023). These report(s) do not provide unequivocal conclusions about association of the variant with Severe Congenital Neutropenia. To our knowledge, no experimental evidence demonstrating an impact on protein function has been reported. The following publication have been ascertained in the context of this evaluation (PMID: 37474001). ClinVar contains an entry for this variant (Variation ID: 967561). Based on the evidence outlined above, the variant was classified as uncertain significance.

Ambry Genetics
Classification: Uncertain significance for Inborn genetic diseases. Last evaluated: 2025-01-30. Review status: criteria provided, single submitter. Criteria: Ambry Variant Classification Scheme 2023. Collection method: clinical testing. Allele origin: germline.
Comment: The p.R226C variant (also known as c.676C>T), located in coding exon 6 of the HAX1 gene, results from a C to T substitution at nucleotide position 676. The arginine at codon 226 is replaced by cysteine, an amino acid with highly dissimilar properties. This amino acid position is conserved. In addition, the in silico prediction for this alteration is inconclusive. Based on the available evidence, the clinical significance of this variant remains unclear.

Labcorp Genetics (formerly Invitae), Labcorp
Classification: Uncertain significance for Kostmann syndrome. Last evaluated: 2024-11-12. Review status: criteria provided, single submitter. Criteria: Invitae Variant Classification Sherloc (09022015). Collection method: clinical testing. Allele origin: germline.
Comment: This sequence change replaces arginine, which is basic and polar, with cysteine, which is neutral and slightly polar, at codon 226 of the HAX1 protein (p.Arg226Cys). This variant is present in population databases (rs765780829, gnomAD 0.06%). This variant has not been reported in the literature in individuals affected with HAX1-related conditions. ClinVar contains an entry for this variant (Variation ID: 967561). Invitae Evidence Modeling of protein sequence and biophysical properties (such as structural, functional, and spatial information, amino acid conservation, physicochemical variation, residue mobility, and thermodynamic stability) has been performed for this missense variant. However, the output from this modeling did not meet the statistical confidence thresholds required to predict the impact of this variant on HAX1 protein function. In summary, the available evidence is currently insufficient to determine the role of this variant in disease. Therefore, it has been classified as a Variant of Uncertain Significance.

Natera, Inc.
Classification: Uncertain significance for Autosomal recessive severe congenital neutropenia type 3. Last evaluated: 2020-07-23. Review status: no assertion criteria provided. Collection method: clinical testing. Allele origin: germline. Not counted in ClinVar's aggregate classification.

Literature cited by the submitters: PubMed 37474001 (cited by Women's Health and Genetics/Laboratory Corporation of America, LabCorp).

NM_006118.4(HAX1):c.676C>T (p.Arg226Cys)

Gene: HAX1 (HCLS1 associated protein X-1; plus strand). Cytogenetic location: 1q21.3.
Variant type: single nucleotide variant.
Coding change: c.676C>T on transcript NM_006118.4 (MANE Select); coding-DNA position 676, C replaced by T.
Protein change: p.Arg226Cys; replaces arginine 226 with cysteine.
Molecular consequence: missense variant.
Genome position (GRCh38, 1-based): chr1:154,275,405, C>T. VCF-style: chr1-154275405-C-T. GRCh37 (hg19) VCF-style: chr1-154247881-C-T.
Other names: c.532C>T, p.Arg178Cys (NM_001018837.2); short protein forms R226C, R178C.
Identifiers: ClinVar variation 967561 (VCV000967561.10), dbSNP rs765780829, ClinGen allele CA1127436.